The following is an entry in ClinVar:

NM_000071.3(CBS):c.502G>T (p.Val168Leu)

Gene: CBS (cystathionine beta-synthase; minus strand). Cytogenetic location: 21q22.3.
Variant type: single nucleotide variant.
Coding change: c.502G>T on transcript NM_000071.3 (MANE Select); coding-DNA position 502, G replaced by T.
Protein change: p.Val168Leu; replaces valine 168 with leucine.
Molecular consequence: missense variant.
Genome position (GRCh38, 1-based): chr21:43,065,645, C>A on the plus strand (G>T on the coding strand, the complement: CBS is on the minus strand). VCF-style: chr21-43065645-C-A. GRCh37 (hg19) VCF-style: chr21-44485755-C-A.
Other names: c.502G>T, p.Val168Leu (NM_001178008.3, NM_001178009.3, NM_001320298.2); c.187G>T, p.Val63Leu (NM_001321072.1); short protein forms V168L, V63L.
Identifiers: ClinVar variation 5003227 (VCV005003227.1).
Genomic context (GRCh38, chr21:43,065,645, plus strand): 5'-TATGACCCCGCCCCTGGCCACGCCCACCCACCTTCTCGGAGCTCATCTTCTCTGGCATCA[C>A]GATGATGCAGCGATAGCCCCTCACTGCCGCAGCCAGGGCCAGCCCGATCCCTGAGGGCAC-3'
Protein context (NP_000062.1, residues 158-178): AAVRGYRCII[Val168Leu]MPEKMSSEKV

ClinVar aggregate classification (germline): Uncertain significance (1 of 4 stars; one submission).

Conditions:
Classic homocystinuria. Also called: Homocystinuria due to Cystathionine Beta-Synthase Deficiency; HOMOCYSTINURIA WITH OR WITHOUT RESPONSE TO PYRIDOXINE; Homocystinuria due to CBS deficiency; Cystathionine beta-synthase deficiency; CBS deficiency. Identifiers: Orphanet 394, MedGen C0751202, MONDO:0009352, OMIM 236200.

Submission:

Myriad Genetics, Inc.
Classification: Uncertain significance for Classic homocystinuria. Last evaluated: 2026-02-24. Review status: criteria provided, single submitter. Criteria: Myriad Autosomal Dominant, Autosomal Recessive and X-Linked Classification Criteria (2023). Collection method: clinical testing. Allele origin: unknown.
Comment: NM_000071.2(CBS):c.502G>T(V168L) is a missense variant classified as a variant of uncertain significance in the context of homocystinuria, CBS-related. V168L has been observed in a case with relevant disease (PMID: 33868930). Relevant functional assessments of this variant are not available in the literature. V168L has been observed in referenced population frequency databases. In summary, there is insufficient evidence to classify NM_000071.2(CBS):c.502G>T(V168L) as pathogenic or benign. Please note: this variant was assessed in the context of healthy population screening.

Literature cited by the submitters: PubMed 33868930.